The following is an entry in ClinVar:

NM_001029883.3(PCARE):c.3099_3100insCAGG (p.Val1034fs)

Gene: PCARE (photoreceptor cilium actin regulator; minus strand). Cytogenetic location: 2p23.2.
Variant type: Insertion.
Coding change: c.3099_3100insCAGG on transcript NM_001029883.3 (MANE Select); coding-DNA positions 3099 to 3100, CAGG inserted.
Protein change: p.Val1034fs; shifts the reading frame from valine 1034.
Molecular consequence: frameshift variant.
Genome position: GRCh38 VCF-style: chr2-29071162-C-CCCTG. GRCh37 (hg19) VCF-style: chr2-29294028-C-CCCTG.
Other names: short protein forms V1034fs.
Identifiers: ClinVar variation 1455021 (VCV001455021.5), dbSNP rs777717614, ClinGen allele CA1592023.

ClinVar aggregate classification (germline): Pathogenic (1 of 4 stars; one submission).

Allele frequency attached by ClinVar (database versions not stated): ExAC 0.00002; gnomAD exomes 0.00001.

Submission:

Labcorp Genetics (formerly Invitae), Labcorp
Classification: Pathogenic. Last evaluated: 2024-11-11. Review status: criteria provided, single submitter. Criteria: Invitae Variant Classification Sherloc (09022015). Collection method: clinical testing. Allele origin: germline.
Comment: This sequence change creates a premature translational stop signal (p.Val1034Glnfs*74) in the PCARE gene. It is expected to result in an absent or disrupted protein product. Loss-of-function variants in PCARE are known to be pathogenic (PMID: 20398886, 24339724, 26496393). This variant is present in population databases (rs777717614, gnomAD 0.003%). This premature translational stop signal has been observed in individual(s) with clinical features of retinitis pigmentosa (PMID: 28157192). ClinVar contains an entry for this variant (Variation ID: 1455021). Algorithms developed to predict the effect of sequence changes on RNA splicing suggest that this variant may create or strengthen a splice site. For these reasons, this variant has been classified as Pathogenic.

Literature cited by the submitters: PubMed 20398886; PubMed 24339724; PubMed 26496393; PubMed 28157192.